The following is an entry in ClinVar:

ClinVar aggregate classification (germline): Pathogenic. Review status: reviewed by expert panel (3 of 4 stars). 3 submissions from 3 submitters: Pathogenic (1). 2 of the submissions do not count toward it. Last evaluated 2016-09-08.

Conditions:
Hereditary cancer-predisposing syndrome. Also called: Neoplastic Syndromes, Hereditary; Tumor predisposition; Hereditary Cancer Syndrome; Hereditary neoplastic syndrome. Identifiers: Orphanet 140162, MedGen C0027672, MeSH D009386, MONDO:0015356.
Breast-ovarian cancer, familial, susceptibility to, 2 (BROVCA2). Also called: BRCA2 Hereditary Breast and Ovarian Cancer. Identifiers: Orphanet 145, MedGen C2675520, MONDO:0012933, OMIM 612555. Disease mechanism: loss of function.

Submissions (3):

Evidence-based Network for the Interpretation of Germline Mutant Alleles (ENIGMA)
Classification: Pathogenic for Breast-ovarian cancer, familial, susceptibility to, 2. Last evaluated: 2016-09-08. Review status: reviewed by expert panel. Criteria: ENIGMA BRCA1/2 Classification Criteria (2015). Collection method: curation. Allele origin: germline.
Comment: Variant allele predicted to encode a truncated non-functional protein.

Consortium of Investigators of Modifiers of BRCA1/2 (CIMBA), c/o University of Cambridge
Classification: Pathogenic for Breast-ovarian cancer, familial, susceptibility to, 2. Last evaluated: 2015-10-02. Review status: criteria provided, single submitter. Criteria: CIMBA Mutation Classification guidelines May 2016. Collection method: clinical testing. Allele origin: germline. Not counted in ClinVar's aggregate classification.

Ambry Genetics
Classification: Pathogenic for Hereditary cancer-predisposing syndrome. Last evaluated: 2014-11-20. Review status: criteria provided, single submitter. Criteria: Ambry Variant Classification Scheme 2023. Collection method: clinical testing. Allele origin: germline. Not counted in ClinVar's aggregate classification.
Comment: The c.3195delT (also known as 3423delT) pathogenic mutation, located in coding exon 10 of the BRCA2 gene, results from a deletion of one nucleotide at nucleotide position 3195, causing a translational frameshift with a predicted alternate stop codon. In addition to the clinical data presented in the literature, since frameshifts are typically deleterious in nature, this alteration is interpreted as a disease-causing mutation (ACMG Recommendations for Standards for Interpretation and Reporting of Sequence Variations. Revision 2007. Genet Med. 2008;10:294).

Literature cited by the submitters: PubMed 21120943 (cited by Ambry Genetics).

NM_000059.4(BRCA2):c.3195del (p.Asn1066fs)

Gene: BRCA2 (BRCA2 DNA repair associated; plus strand). Cytogenetic location: 13q13.1.
Variant type: Deletion.
Coding change: c.3195del on transcript NM_000059.4 (MANE Select); coding-DNA position 3195, one base deleted (T; older notation c.3195delT).
Protein change: p.Asn1066fs; shifts the reading frame from asparagine 1066.
Molecular consequence: frameshift variant.
Genome position (GRCh38, 1-based): chr13:32,337,550, T deleted; the last of 2 consecutive T bases (chr13:32,337,549-32,337,550); deleting either gives the same sequence. VCF-style (leftmost placement, unchanged base first): chr13-32337548-AT-A. GRCh37 (hg19) VCF-style: chr13-32911685-AT-A.
Other names: c.3195delT (NM_000059.3).
Identifiers: ClinVar variation 51420 (VCV000051420.9), dbSNP rs397507657, ClinGen allele CA017514.